The following is an entry in ClinVar:

NM_001851.6(COL9A1):c.1618C>T (p.Pro540Ser)

Gene: COL9A1 (collagen type IX alpha 1 chain; minus strand). Cytogenetic location: 6q13.
Variant type: single nucleotide variant.
Coding change: c.1618C>T on transcript NM_001851.6 (MANE Select); coding-DNA position 1618, C replaced by T.
Protein change: p.Pro540Ser; replaces proline 540 with serine.
Molecular consequence: missense variant. On other transcripts: non-coding transcript variant (1).
Genome position (GRCh38, 1-based): chr6:70,255,010, G>A on the plus strand (C>T on the coding strand, the complement: COL9A1 is on the minus strand). VCF-style: chr6-70255010-G-A. GRCh37 (hg19) VCF-style: chr6-70964713-G-A.
Other names: c.889C>T, p.Pro297Ser (NM_001377289.1, NM_001377290.1, NM_078485.4); short protein forms P540S, P297S.
Identifiers: ClinVar variation 1971074 (VCV001971074.5), dbSNP rs2483317006, ClinGen allele CA364677763.

ClinVar aggregate classification (germline): Uncertain significance (1 of 4 stars; one submission).

Submission:

Labcorp Genetics (formerly Invitae), Labcorp
Classification: Uncertain significance. Last evaluated: 2022-02-22. Review status: criteria provided, single submitter. Criteria: Invitae Variant Classification Sherloc (09022015). Collection method: clinical testing. Allele origin: germline.
Comment: In summary, the available evidence is currently insufficient to determine the role of this variant in disease. Therefore, it has been classified as a Variant of Uncertain Significance. Advanced modeling of protein sequence and biophysical properties (such as structural, functional, and spatial information, amino acid conservation, physicochemical variation, residue mobility, and thermodynamic stability) performed at Invitae indicates that this missense variant is not expected to disrupt COL9A1 protein function. This variant has not been reported in the literature in individuals affected with COL9A1-related conditions. This variant is not present in population databases (gnomAD no frequency). This sequence change replaces proline, which is neutral and non-polar, with serine, which is neutral and polar, at codon 540 of the COL9A1 protein (p.Pro540Ser).